The following is an entry in ClinVar:

NM_016320.5(NUP98):c.1267+3A>G

Genes: NUP98 (nucleoporin 98 and 96 precursor; minus strand), LOC106865369 (nucleoporin 98kDa recombination region; plus strand). Cytogenetic location: 11p15.4.
Variant type: single nucleotide variant.
Coding change: c.1267+3A>G on transcript NM_016320.5 (MANE Select); 3 bases into the intron after coding-DNA position 1267, A replaced by G.
Molecular consequence: intron variant.
Genome position (GRCh38, 1-based): chr11:3,753,313, T>C on the plus strand (A>G on the coding strand, the complement: NUP98 is on the minus strand). VCF-style: chr11-3753313-T-C. GRCh37 (hg19) VCF-style: chr11-3774543-T-C.
Other names: c.1216+3A>G (NM_001365128.2); c.1243+3A>G (NM_001365127.2); c.1267+3A>G (NM_001365129.2, NM_139132.4, NM_001365125.2 and 1 more transcripts); c.1318+3A>G (NM_001365126.2, NM_005387.7).
Identifiers: ClinVar variation 2641517 (VCV002641517.24), dbSNP rs139249995, ClinGen allele CA5829113.

ClinVar aggregate classification (germline): Likely benign (1 of 4 stars; one submission).

Allele frequency attached by ClinVar (database versions not stated): gnomAD exomes 0.00004; ExAC 0.00012; ESP Exome Variant Server 0.00015; 1000 Genomes Project 30x 0.00031; TOPMed 0.00035; 1000 Genomes Project 0.00040; gnomAD 0.00048.
gnomAD v4.1: 133 of 1,612,286 alleles (0.0082%); highest among the groups gnomAD compares: African/African-American, 0.16%; no homozygotes.

Submission:

CeGaT Center for Human Genetics Tuebingen
Classification: Likely benign. Last evaluated: 2022-04-01. Review status: criteria provided, single submitter. Criteria: CeGaT Center For Human Genetics Tuebingen Variant Classification Criteria Version 2. Collection method: clinical testing. Allele origin: germline. Affected: yes. Observed: 1 variant allele.
Comment: NUP98: BP4